The following is an entry in ClinVar:

NC_000020.10:g.(?_35521335)_(35563612_?)dup

Genes: SAMHD1 (SAM and HD domain containing deoxynucleoside triphosphate triphosphohydrolase 1; minus strand), TLDC2 (TBC/LysM-associated domain containing 2; plus strand). Cytogenetic location: 20q11.23.
Variant type: Duplication.
Identifiers: ClinVar variation 1448168 (VCV001448168.5).

ClinVar aggregate classification (germline): Uncertain significance (1 of 4 stars; one submission).

Conditions:
Aicardi-Goutieres syndrome 5. Identifiers: Orphanet 51, MedGen C2749659, MONDO:0013059, OMIM 612952.

Submission:

Labcorp Genetics (formerly Invitae), Labcorp
Classification: Uncertain significance for Aicardi-Goutieres syndrome 5. Last evaluated: 2023-08-30. Review status: criteria provided, single submitter. Criteria: Invitae Variant Classification Sherloc (09022015). Collection method: clinical testing. Allele origin: germline.
Comment: This variant results in a copy number gain of the genomic region encompassing exon(s) 4-16 of the SAMHD1 gene. This region includes the termination codon of the gene. This copy number gain extends beyond the assayed region for this gene and therefore may encompass additional genes. As the precise location of this event is unknown, it may be in tandem or it may be located elsewhere in the genome. This variant has not been reported in the literature in individuals affected with SAMHD1-related conditions. In summary, the available evidence is currently insufficient to determine the role of this variant in disease. Therefore, it has been classified as a Variant of Uncertain Significance.